The following is an entry in ClinVar:

NM_212552.3(BOLA3):c.49C>T (p.Arg17Cys)

Gene: BOLA3 (bolA family member 3; minus strand). Cytogenetic location: 2p13.1.
Variant type: single nucleotide variant.
Coding change: c.49C>T on transcript NM_212552.3 (MANE Select); coding-DNA position 49, C replaced by T.
Protein change: p.Arg17Cys; replaces arginine 17 with cysteine.
Molecular consequence: missense variant.
Genome position (GRCh38, 1-based): chr2:74,147,826, G>A on the plus strand (C>T on the coding strand, the complement: BOLA3 is on the minus strand). VCF-style: chr2-74147826-G-A. GRCh37 (hg19) VCF-style: chr2-74374953-G-A.
Other names: c.49C>T, p.Arg17Cys (NM_001035505.2); short protein forms R17C.
Identifiers: ClinVar variation 2057780 (VCV002057780.4), dbSNP rs2528338177, ClinGen allele CA347313232.
Genomic context (GRCh38, chr2:74,147,826, plus strand): 5'-GTCCCTCCGCAGCTCCCGTCCCGGGGAGAGCAGCCCCGACCCTGCCCACGCTCACCCCGC[G>A]GATCCCGCGGAGGAGAGGCGCTGCCGCGGCCGGGCTCCATGCAGCCATGCCCGGCCGACG-3'
Protein context (NP_997717.2, residues 7-27): AAAAPLLRGI[Arg17Cys]GLPLHHRMFA

ClinVar aggregate classification (germline): Uncertain significance (1 of 4 stars; one submission).

Allele frequency attached by ClinVar (database versions not stated): gnomAD exomes below 0.00001.
gnomAD v4.1: 1 of 1,528,650 alleles (0.000065%); highest among the groups gnomAD compares: Non-Finnish European, 0.000087%; no homozygotes.

Submission:

Labcorp Genetics (formerly Invitae), Labcorp
Classification: Uncertain significance. Last evaluated: 2022-10-25. Review status: criteria provided, single submitter. Criteria: Invitae Variant Classification Sherloc (09022015). Collection method: clinical testing. Allele origin: germline.
Comment: In summary, the available evidence is currently insufficient to determine the role of this variant in disease. Therefore, it has been classified as a Variant of Uncertain Significance. Algorithms developed to predict the effect of missense changes on protein structure and function are either unavailable or do not agree on the potential impact of this missense change (SIFT: "Deleterious"; PolyPhen-2: "Possibly Damaging"; Align-GVGD: "Class C0"). This variant has not been reported in the literature in individuals affected with BOLA3-related conditions. This variant is not present in population databases (gnomAD no frequency). This sequence change replaces arginine, which is basic and polar, with cysteine, which is neutral and slightly polar, at codon 17 of the BOLA3 protein (p.Arg17Cys).